The following is an entry in ClinVar:

ClinVar aggregate classification (germline): Uncertain significance. Review status: criteria provided, multiple submitters, no conflicts (2 of 4 stars). 5 submissions from 5 submitters: Uncertain significance (3). 2 of the submissions do not count toward it. Last evaluated 2025-08-30.

Conditions:
CEP290-related disorder. Also called: CEP290-related disorders; CEP290-related condition. Identifiers: MedGen CN239314.
Inborn genetic diseases. Identifiers: MedGen C0950123, MeSH D030342.
Joubert syndrome 5 (JBTS5). Identifiers: Orphanet 2318, MedGen C1857780, MONDO:0012432, OMIM 610188.
Bardet-Biedl syndrome 14 (BBS14). Identifiers: Orphanet 110, MedGen C2673874, MONDO:0014442, OMIM 615991.
Leber congenital amaurosis 10 (LCA10). Identifiers: Orphanet 65, MedGen C1857821, MONDO:0012723, OMIM 611755.
Meckel syndrome, type 4 (MKS4). Also called: MECKEL-GRUBER SYNDROME, TYPE 4. Identifiers: Orphanet 564, MedGen C1970161, MONDO:0012626, OMIM 611134.
Senior-Loken syndrome 6 (SLSN6). Identifiers: Orphanet 3156, MedGen C1857779, MONDO:0012433, OMIM 610189.
Meckel-Gruber syndrome. Also called: Dysencephalia splachnocystica; DYSENCEPHALIA SPLANCHNOCYSTICA; GRUBER SYNDROME. Identifiers: Orphanet 564, MedGen C0265215, MONDO:0018921.
Nephronophthisis. Also called: Juvenile Nephronophthisis. Identifiers: Orphanet 655, MedGen C0687120, MONDO:0019005, HP:0000090.
Joubert syndrome. Also called: Familial aplasia of the vermis; CEREBELLOPARENCHYMAL DISORDER IV; JOUBERT-BOLTSHAUSER SYNDROME. Identifiers: Orphanet 475, MedGen C5979921, MONDO:0018772.
Leber congenital amaurosis (LCA). Also called: Leber's amaurosis. Identifiers: Orphanet 65, MedGen C0339527, MeSH D057130, MONDO:0018998.

Allele frequency attached by ClinVar (database versions not stated): gnomAD exomes below 0.00001 and 0.00001; TOPMed 0.00001.

Submissions (5):

Ambry Genetics
Classification: Uncertain significance for Inborn genetic diseases. Last evaluated: 2025-08-30. Review status: criteria provided, single submitter. Criteria: Ambry Variant Classification Scheme 2023. Collection method: clinical testing. Allele origin: germline.

Fulgent Genetics
Classification: Uncertain significance for Joubert syndrome 5; Senior-Loken syndrome 6; Meckel syndrome, type 4; Leber congenital amaurosis 10; Bardet-Biedl syndrome 14. Last evaluated: 2022-01-26. Review status: criteria provided, single submitter. Criteria: ACMG Guidelines, 2015. Collection method: clinical testing. Allele origin: unknown.

Labcorp Genetics (formerly Invitae), Labcorp
Classification: Uncertain significance for Joubert syndrome; Meckel-Gruber syndrome; Nephronophthisis. Last evaluated: 2021-08-27. Review status: criteria provided, single submitter. Criteria: Invitae Variant Classification Sherloc (09022015). Collection method: clinical testing. Allele origin: germline.
Comment: This sequence change replaces alanine with valine at codon 1743 of the CEP290 protein (p.Ala1743Val). The alanine residue is highly conserved and there is a small physicochemical difference between alanine and valine. This variant is not present in population databases (ExAC no frequency). This variant has not been reported in the literature in individuals affected with CEP290-related conditions. Algorithms developed to predict the effect of missense changes on protein structure and function are either unavailable or do not agree on the potential impact of this missense change (SIFT: "Tolerated"; PolyPhen-2: "Probably Damaging"; Align-GVGD: "Class C0"). Algorithms developed to predict the effect of sequence changes on RNA splicing suggest that this variant may create or strengthen a splice site. In summary, the available evidence is currently insufficient to determine the role of this variant in disease. Therefore, it has been classified as a Variant of Uncertain Significance.

PreventionGenetics, part of Exact Sciences
Classification: Uncertain significance for CEP290-related condition. Last evaluated: 2024-02-14. Review status: no assertion criteria provided. Collection method: clinical testing. Allele origin: germline. Not counted in ClinVar's aggregate classification.
Comment: The CEP290 c.5228C>T variant is predicted to result in the amino acid substitution p.Ala1743Val. To our knowledge, this variant has not been reported in the literature. This variant is reported in 0.00097% of alleles in individuals of European (Non-Finnish) descent in gnomAD. At this time, the clinical significance of this variant is uncertain due to the absence of conclusive functional and genetic evidence.

Natera, Inc.
Classification: Uncertain significance for Leber congenital amaurosis. Last evaluated: 2020-02-10. Review status: no assertion criteria provided. Collection method: clinical testing. Allele origin: germline. Not counted in ClinVar's aggregate classification.

NM_025114.4(CEP290):c.5228C>T (p.Ala1743Val)

Gene: CEP290 (centrosomal protein 290; minus strand). Cytogenetic location: 12q21.32.
Variant type: single nucleotide variant.
Coding change: c.5228C>T on transcript NM_025114.4 (MANE Select); coding-DNA position 5228, C replaced by T.
Protein change: p.Ala1743Val; replaces alanine 1743 with valine.
Molecular consequence: missense variant.
Genome position (GRCh38, 1-based): chr12:88,079,228, G>A on the plus strand (C>T on the coding strand, the complement: CEP290 is on the minus strand). VCF-style: chr12-88079228-G-A. GRCh37 (hg19) VCF-style: chr12-88473005-G-A.
Other names: short protein forms A1743V.
Identifiers: ClinVar variation 657546 (VCV000657546.11), dbSNP rs951910051, ClinGen allele CA241154183.